The following is an entry in ClinVar:

NM_000261.2(MYOC):c.358del (p.Glu120fs)

Gene: MYOC (myocilin; minus strand). Cytogenetic location: 1q24.3.
Variant type: Deletion.
Coding change: c.358del on transcript NM_000261.2 (MANE Select); coding-DNA position 358, one base deleted (G; older notation c.358delG).
Protein change: p.Glu120fs; shifts the reading frame from glutamic acid 120.
Molecular consequence: frameshift variant.
Genome position (GRCh38, 1-based): chr1:171,652,254, C deleted on the plus strand (G on the coding strand, the reverse complement: MYOC is on the minus strand); the first of 3 consecutive C bases (chr1:171,652,254-171,652,256); deleting any one gives the same sequence. VCF-style (leftmost placement, unchanged base first): chr1-171652253-TC-T. GRCh37 (hg19) VCF-style: chr1-171621393-TC-T.
Other names: NM_000261.2(MYOC):c.358del; p.Glu120fs; short protein forms E120fs.
Identifiers: ClinVar variation 2671648 (VCV002671648.2), dbSNP rs746210903, ClinGen allele CA1244291.

ClinVar aggregate classification (germline): Uncertain significance. Review status: reviewed by expert panel (3 of 4 stars). 2 submissions from 2 submitters: Uncertain significance (1). 1 of the submissions does not count toward it. Last evaluated 2026-01-20.

Conditions:
Glaucoma 1, open angle, A (GLC1A). Also called: Glaucoma, Dominant (Juvenile Onset). Identifiers: Orphanet 98977, MedGen C1842028, MONDO:0007664, OMIM 137750.
Open-angle glaucoma. Identifiers: MedGen C0017612, MONDO:0005338, HP:0012108.

Submissions (2):

ClinGen Glaucoma Variant Curation Expert Panel
Classification: Uncertain significance for Open-angle glaucoma. Last evaluated: 2026-01-20. Review status: reviewed by expert panel. Criteria: ClinGen Glaucoma ACMG Specifications V2.0.0 Approved. Collection method: curation. Allele origin: germline. Inheritance: Autosomal dominant inheritance.
Comment: The c.358del variant in MYOC is a deletion of a single nucleotide, predicted to encode a frameshift with consequent premature termination of the protein at codon 5 of the frameshift (p.Glu120SerfsTer5). Truncation of this protein occurs outside of the conserved olfactomedin domain, which did not meet PM4. PVS1 did not apply, as the disease mechanism for MYOC variants associated with juvenile or primary open angle glaucoma is not loss-of-function. The highest minor allele frequency of this variant was in the South Asian genetic ancestry group of gnomAD (v4.1.0) = 0.0001098 (10 alleles out of 91,074), which did not meet the PM2_Supporting allele frequency threshold (≤ 0.0001) or the BS1 allele frequency threshold (≥ 0.001). There was no computational or functional evidence predicting a damaging or benign impact of this variant on MYOC function. This variant was identified in laboratory based testing, but has not yet been confirmed in a proband with juvenile or primary open angle glaucoma. In summary, this variant did not meet any criteria, receiving a score of 0 and a classification as a variant of uncertain significance (uncertain significance classification range -1 to 5, adapted from PMID: 32720330) for primary open angle glaucoma based on the ACMG/AMP criteria met, as specified by the ClinGen Glaucoma VCEP (v2.0.0, 5 Dec 2024): none

Neuberg Centre For Genomic Medicine, NCGM
Classification: Uncertain significance for Glaucoma 1, open angle, A. Last evaluated: 2023-02-14. Review status: criteria provided, single submitter. Criteria: ACMG Guidelines, 2015. Collection method: clinical testing. Allele origin: germline. Inheritance: Autosomal dominant inheritance. Affected: yes. Not counted in ClinVar's aggregate classification.
Comment: The frame shift c.358del (p.Glu120SerfsTer5) variant in the MYOC gene has not been reported previously as a pathogenic variant nor as a benign variant, to our knowledge. This variant is reported with the allele frequency (0.002%) in the gnomAD Exomes and novel in 1000. This variant causes a frameshift starting with codon Glutamic Acid 120, changes this amino acid to Serine residue, and creates a premature Stop codon at position 5 of the new reading frame, denoted p.Glu120SerfsTer5. Loss of function variants have been previously reported to be disease causing. For these reasons, this variant has been classified as Uncertain Significance.